The following is an entry in ClinVar:

ClinVar aggregate classification (germline): Uncertain significance. Review status: criteria provided, multiple submitters, no conflicts (2 of 4 stars). 7 submissions from 3 submitters: Uncertain significance (7). Last evaluated 2025-05-06.

Conditions:
Achondrogenesis, type IB (ACG1B). Also called: Achondrogenesis Type 1B. Identifiers: Orphanet 932, Orphanet 93298, MedGen C0265274, MONDO:0010966, OMIM 600972.
Diastrophic dysplasia (DTD). Also called: Diastrophic dwarfism. Identifiers: Orphanet 628, MedGen C0220726, MONDO:0009107, OMIM 222600.
Atelosteogenesis type II (AO2). Also called: Neonatal osseous dysplasia 1; NEONATAL OSSEOUS DYSPLASIA I; SLC26A2-Related Atelosteogenesis. Identifiers: Orphanet 56304, MedGen C1850554, MONDO:0009727, OMIM 256050.
Multiple epiphyseal dysplasia type 4 (EDM4). Also called: SLC26A2-Related Multiple Epiphyseal Dysplasia; MULTIPLE EPIPHYSEAL DYSPLASIA WITH BILAYERED PATELLAE; MULTIPLE EPIPHYSEAL DYSPLASIA WITH CLUBFOOT; MULTIPLE EPIPHYSEAL DYSPLASIA, AUTOSOMAL RECESSIVE; Multiple Epiphyseal Dysplasia, Recessive. Identifiers: Orphanet 93307, MedGen C1847593, MONDO:0009189, OMIM 226900.
Inborn genetic diseases. Identifiers: MedGen C0950123, MeSH D030342.
Sulfate transporter-related osteochondrodysplasia. Also called: DTDST-related dysplasias. Identifiers: MedGen CN120497. Disease mechanism: loss of function.

Allele frequency attached by ClinVar (database versions not stated): TOPMed 0.00001.
gnomAD v4.1: 8 of 1,613,876 alleles (0.0005%); highest among the groups gnomAD compares: Non-Finnish European, 0.00068%; no homozygotes.

Submissions (7):

Labcorp Genetics (formerly Invitae), Labcorp
Classification: Uncertain significance for Atelosteogenesis type II; Multiple epiphyseal dysplasia type 4; Achondrogenesis, type IB; Diastrophic dysplasia. Last evaluated: 2025-05-06. Review status: criteria provided, single submitter. Criteria: Invitae Variant Classification Sherloc (09022015). Collection method: clinical testing. Allele origin: germline.
Comment: This sequence change replaces glycine, which is neutral and non-polar, with cysteine, which is neutral and slightly polar, at codon 282 of the SLC26A2 protein (p.Gly282Cys). This variant is present in population databases (no rsID available, gnomAD 0.0009%). This variant has not been reported in the literature in individuals affected with SLC26A2-related conditions. ClinVar contains an entry for this variant (Variation ID: 903771). Invitae Evidence Modeling of protein sequence and biophysical properties (such as structural, functional, and spatial information, amino acid conservation, physicochemical variation, residue mobility, and thermodynamic stability) indicates that this missense variant is expected to disrupt SLC26A2 protein function with a positive predictive value of 80%. In summary, the available evidence is currently insufficient to determine the role of this variant in disease. Therefore, it has been classified as a Variant of Uncertain Significance.

Ambry Genetics
Classification: Uncertain significance for Inborn genetic diseases. Last evaluated: 2022-07-22. Review status: criteria provided, single submitter. Criteria: Ambry Variant Classification Scheme 2023. Collection method: clinical testing. Allele origin: germline.

Illumina Laboratory Services, Illumina
Classification: Uncertain significance for Osteochondrodysplasia. Last evaluated: 2017-04-27. Review status: criteria provided, single submitter. Criteria: ICSL Variant Classification Criteria 13 December 2019. Collection method: clinical testing. Allele origin: germline.

Illumina Laboratory Services, Illumina
Classification: Uncertain significance for Atelosteogenesis type II. Last evaluated: 2017-04-27. Review status: criteria provided, single submitter. Criteria: ICSL Variant Classification Criteria 13 December 2019. Collection method: clinical testing. Allele origin: germline.

Illumina Laboratory Services, Illumina
Classification: Uncertain significance for Achondrogenesis, type IB. Last evaluated: 2017-04-27. Review status: criteria provided, single submitter. Criteria: ICSL Variant Classification Criteria 13 December 2019. Collection method: clinical testing. Allele origin: germline.

Illumina Laboratory Services, Illumina
Classification: Uncertain significance for Diastrophic dysplasia. Last evaluated: 2017-04-27. Review status: criteria provided, single submitter. Criteria: ICSL Variant Classification Criteria 13 December 2019. Collection method: clinical testing. Allele origin: germline.

Illumina Laboratory Services, Illumina
Classification: Uncertain significance for Multiple epiphyseal dysplasia type 4. Last evaluated: 2017-04-27. Review status: criteria provided, single submitter. Criteria: ICSL Variant Classification Criteria 13 December 2019. Collection method: clinical testing. Allele origin: germline.

NM_000112.4(SLC26A2):c.844G>T (p.Gly282Cys)

Gene: SLC26A2 (solute carrier family 26 member 2; plus strand). Cytogenetic location: 5q32.
Variant type: single nucleotide variant.
Coding change: c.844G>T on transcript NM_000112.4 (MANE Select); coding-DNA position 844, G replaced by T.
Protein change: p.Gly282Cys; replaces glycine 282 with cysteine.
Molecular consequence: missense variant.
Genome position (GRCh38, 1-based): chr5:149,980,437, G>T. VCF-style: chr5-149980437-G-T. GRCh37 (hg19) VCF-style: chr5-149360000-G-T.
Other names: short protein forms G282C.
Identifiers: ClinVar variation 903771 (VCV000903771.7), dbSNP rs571410872, ClinGen allele CA129083833.